The following is an entry in ClinVar:

ClinVar aggregate classification (germline): Uncertain significance (1 of 4 stars; one submission).

Conditions:
Pelizaeus-Merzbacher disease. Also called: LEUKODYSTROPHY, HYPOMYELINATING, 1; Sudanophilic leukodystrophy; Pelizaeus-Merzbacher spectrum disorder; Pelizaeus-Merzbacher Disease (PMD); Pelizeaus-Merzbacher spectrum disorder. Identifiers: Orphanet 702, MedGen C0205711, MONDO:0010714, OMIM 312080, HP:0003269.

Submission:

Molecular Diagnostics Lab, Nemours Children's Health, Delaware
Classification: Uncertain significance for Pelizaeus-Merzbacher disease. Last evaluated: 2021-11-17. Review status: criteria provided, single submitter. Criteria: ACMG Guidelines, 2015. Collection method: clinical testing. Allele origin: unknown. Inheritance: X-linked inheritance. Affected: yes. Observed: 1 hemizygote.
Comment: This missense variant (c.377C>T, p.Ser126Phe) has not been observed in population databases (gnomAD). It has not been described in the literature. Results from variant prediction programs show no consensus regarding its effect on the PLP1 protein, and no functional studies have been published. There is insufficient evidence available to provide a classification other than uncertain significance for this variant.

NM_000533.5(PLP1):c.377C>T (p.Ser126Phe)

Genes: PLP1 (proteolipid protein 1; plus strand), RAB9B (RAB9B, member RAS oncogene family; minus strand). Cytogenetic location: Xq22.2.
Variant type: single nucleotide variant.
Coding change: c.377C>T on transcript NM_000533.5 (MANE Select); coding-DNA position 377, C replaced by T.
Protein change: p.Ser126Phe; replaces serine 126 with phenylalanine.
Molecular consequence: missense variant. On other transcripts: intron variant (1).
Genome position (GRCh38, 1-based): chrX:103,786,650, C>T. VCF-style: chrX-103786650-C-T. GRCh37 (hg19) VCF-style: chrX-103041579-C-T.
Other names: c.377C>T, p.Ser126Phe (NM_001128834.3); c.212C>T, p.Ser71Phe (NM_001305004.1); c.348+29C>T (NM_199478.3); short protein forms S126F, S71F.
Identifiers: ClinVar variation 3255422 (VCV003255422.2), dbSNP rs2522307962.
Genomic context (GRCh38, chrX:103,786,650, plus strand): 5'-CCACCATCTGCGGCAAGGGCCTGAGCGCAACGGTAACAGGGGGCCAGAAGGGGAGGGGTT[C>T]CAGAGGCCAACATCAAGCTCATTCTTTGGAGCGGGTGTGTCATTGTTTGGGAAAATGGCT-3'
Protein context (NP_000524.3, residues 116-136): TVTGGQKGRG[Ser126Phe]RGQHQAHSLE